The following is an entry in ClinVar:

ClinVar aggregate classification (germline): Uncertain significance (1 of 4 stars; one submission).

Conditions:
Hypercholesterolemia, autosomal dominant, 3 (FHCL3). Also called: Familial Hypercholesterolemia, Autosomal Dominant, 3; PCSK9-Related Familial Hypercholesterolemia, Autosomal Dominant; Familial hypercholesterolemia 3. Identifiers: MedGen C1863551, MONDO:0011369, OMIM 603776.

Submission:

All of Us Research Program, National Institutes of Health
Classification: Uncertain significance for Hypercholesterolemia, autosomal dominant, 3. Last evaluated: 2024-04-25. Review status: criteria provided, single submitter. Criteria: ACMG Guidelines, 2015. Collection method: clinical testing. Allele origin: germline. Inheritance: Autosomal dominant inheritance. Observed: 1 variant allele, 1 heterozygote.
Comment: This missense variant replaces serine with asparagine at codon 191 of the PCSK9 protein. Computational prediction suggests that this variant may not impact protein structure and function (internally defined REVEL score threshold <= 0.5, PMID: 27666373). To our knowledge, functional studies have not been reported for this variant. This variant has not been reported in individuals affected with PCSK9-related disorders in the literature. This variant has not been identified in the general population by the Genome Aggregation Database (gnomAD). The available evidence is insufficient to determine the role of this variant in disease conclusively. Therefore, this variant is classified as a Variant of Uncertain Significance.

This study involves interpretation of variants in research participants for the purpose of population health screening. Participant phenotype was not available at the time of variant classification. Additional details can be found in publication PMID: 35346344, PMCID: PMC8962531

NM_174936.4(PCSK9):c.572G>A (p.Ser191Asn)

Gene: PCSK9 (proprotein convertase subtilisin/kexin type 9; plus strand). Cytogenetic location: 1p32.3.
Variant type: single nucleotide variant.
Coding change: c.572G>A on transcript NM_174936.4 (MANE Select); coding-DNA position 572, G replaced by A.
Protein change: p.Ser191Asn; replaces serine 191 with asparagine.
Molecular consequence: missense variant. On other transcripts: non-coding transcript variant (8).
Genome position (GRCh38, 1-based): chr1:55,052,326, G>A. VCF-style: chr1-55052326-G-A. GRCh37 (hg19) VCF-style: chr1-55517999-G-A.
Other names: c.572G>A, p.Ser191Asn (NM_001407247.1, NM_001407241.1, NM_001407242.1 and 1 more transcripts); c.695G>A, p.Ser232Asn (NM_001407240.1); c.515G>A, p.Ser172Asn (NM_001407243.1); c.380G>A, p.Ser127Asn (NM_001407245.1); c.197G>A, p.Ser66Asn (NM_001407246.1); short protein forms S127N, S172N, S191N, S232N, S66N.
Identifiers: ClinVar variation 3387427 (VCV003387427.1).
Genomic context (GRCh38, chr1:55,052,326, plus strand): 5'-CGCCTTGGAAAGACGGAGGCAGCCTGGTGGAGGTGTATCTCCTAGACACCAGCATACAGA[G>A]TGACCACCGGGAAATCGAGGGCAGGGTCATGGTCACCGACTTCGAGAATGTGCCCGAGGA-3'
Protein context (NP_777596.2, residues 181-201): EVYLLDTSIQ[Ser191Asn]DHREIEGRVM